The following is an entry in ClinVar:

NM_001370785.2(LRRC7):c.1251A>G (p.Arg417=)

Gene: LRRC7 (leucine rich repeat containing 7; plus strand). Cytogenetic location: 1p31.1.
Variant type: single nucleotide variant.
Coding change: c.1251A>G on transcript NM_001370785.2 (MANE Select); coding-DNA position 1251, A replaced by G.
Protein change: p.Arg417=; no amino-acid change (arginine 417 retained).
Molecular consequence: synonymous variant.
Genome position (GRCh38, 1-based): chr1:70,016,465, A>G. VCF-style: chr1-70016465-A-G. GRCh37 (hg19) VCF-style: chr1-70482148-A-G.
Other names: NM_020794.2:c.1137A>G; c.1152A>G, p.Arg384= (NM_001330635.3, NM_001366839.3, NM_001366841.1); c.1254A>G, p.Arg418= (NM_001350216.3); c.1251A>G, p.Arg417= (NM_001366838.3).
Identifiers: ClinVar variation 3540217 (VCV003540217.11).

ClinVar aggregate classification (germline): Likely benign. Review status: criteria provided, multiple submitters, no conflicts (2 of 4 stars). 2 submissions from 2 submitters: Likely benign (2). Last evaluated 2025-06-01.

gnomAD v4.1: 51 of 1,580,196 alleles (0.0032%); highest among the groups gnomAD compares: Middle Eastern, 0.017%; no homozygotes.

Submissions (2):

CeGaT Center for Human Genetics Tuebingen
Classification: Likely benign. Last evaluated: 2025-06-01. Review status: criteria provided, single submitter. Criteria: CeGaT Center For Human Genetics Tuebingen Variant Classification Criteria Version 2. Collection method: clinical testing. Allele origin: germline. Affected: yes. Observed: 1 variant allele.
Comment: LRRC7: BP4, BP7

Ambry Genetics
Classification: Likely benign. Last evaluated: 2024-10-08. Review status: criteria provided, single submitter. Criteria: Ambry Variant Classification Scheme 2023. Collection method: clinical testing. Allele origin: germline.